The following is an entry in ClinVar:

NM_000540.3(RYR1):c.12548T>G (p.Met4183Arg)

Gene: RYR1 (ryanodine receptor 1; plus strand). Cytogenetic location: 19q13.2.
Variant type: single nucleotide variant.
Coding change: c.12548T>G on transcript NM_000540.3 (MANE Select); coding-DNA position 12548, T replaced by G.
Protein change: p.Met4183Arg; replaces methionine 4183 with arginine.
Molecular consequence: missense variant.
Genome position (GRCh38, 1-based): chr19:38,561,378, T>G. VCF-style: chr19-38561378-T-G. GRCh37 (hg19) VCF-style: chr19-39052018-T-G.
Other names: c.12533T>G, p.Met4178Arg (NM_001042723.2); short protein forms M4178R, M4183R.
Identifiers: ClinVar variation 4756150 (VCV004756150.1).
Genomic context (GRCh38, chr19:38,561,378, plus strand): 5'-TGGAGCTGGCCGAGAGCATCCTTGAGTACTTCCGCCCCTACCTGGGCCGCATCGAGATCA[T>G]GGGCGCGTCACGCCGCATCGAGCGCATCTACTTCGAGATCTCAGAGACCAACCGCGCCCA-3'
Protein context (NP_000531.2, residues 4173-4193): FRPYLGRIEI[Met4183Arg]GASRRIERIY

ClinVar aggregate classification (germline): Uncertain significance (1 of 4 stars; one submission).

Conditions:
Malignant hyperthermia, susceptibility to, 1 (MHS1). Also called: RYR1-Related Malignant Hyperthermia Susceptibility; Malignant hyperthermia suceptibility 1; Anesthesia related hyperthermia; Malignant hyperpyrexia; Fulminating hyperpyrexia; Pharmacogenic myopathy. Identifiers: Orphanet 423, MedGen C2930980, MONDO:0007783, OMIM 145600.

Submission:

Color Diagnostics, LLC DBA Color Health
Classification: Uncertain significance for Malignant hyperthermia, susceptibility to, 1. Last evaluated: 2025-08-22. Review status: criteria provided, single submitter. Criteria: ACMG Guidelines, 2015. Collection method: clinical testing. Allele origin: germline.
Comment: This missense variant replaces methionine with arginine at codon 4183 of the RYR1 protein. Computational prediction suggests that this variant may have deleterious impact on protein structure and function. To our knowledge, functional studies have not been reported for this variant. This variant has not been reported in individuals affected with RYR1-related disorders in the literature. This variant has not been identified in the general population by the Genome Aggregation Database (gnomAD). The available evidence is insufficient to determine the role of this variant in disease conclusively. Therefore, this variant is classified as a Variant of Uncertain Significance.